The following is an entry in ClinVar:

ClinVar aggregate classification (germline): Uncertain significance (1 of 4 stars; one submission).

Submission:

CeGaT Center for Human Genetics Tuebingen
Classification: Uncertain significance. Last evaluated: 2022-11-01. Review status: criteria provided, single submitter. Criteria: CeGaT Center For Human Genetics Tuebingen Variant Classification Criteria Version 2. Collection method: clinical testing. Allele origin: germline. Affected: yes. Observed: 1 variant allele.
Comment: RIMS1: PM2:Supporting, BP4

NM_014989.7(RIMS1):c.4251C>T (p.Asp1417=)

Gene: RIMS1 (regulating synaptic membrane exocytosis 1; plus strand). Cytogenetic location: 6q13.
Variant type: single nucleotide variant.
Coding change: c.4251C>T on transcript NM_014989.7 (MANE Select); coding-DNA position 4251, C replaced by T.
Protein change: p.Asp1417=; no amino-acid change (aspartic acid 1417 retained).
Molecular consequence: synonymous variant. On other transcripts: intron variant (24).
Genome position (GRCh38, 1-based): chr6:72,333,720, C>T. VCF-style: chr6-72333720-C-T. GRCh37 (hg19) VCF-style: chr6-73043423-C-T.
Other names: c.2154C>T, p.Asp718= (NM_001350437.2); c.2142C>T, p.Asp714= (NM_001350439.2); c.2139C>T, p.Asp713= (NM_001350441.2); c.2112C>T, p.Asp704= (NM_001350443.2); c.1986C>T, p.Asp662= (NM_001350444.2); c.2397C>T, p.Asp799= (NM_001350446.2); c.2058C>T, p.Asp686= (NM_001350447.2); c.2214C>T, p.Asp738= (NM_001350448.2); and 53 more.
Identifiers: ClinVar variation 2656694 (VCV002656694.24), dbSNP rs2552221079, ClinGen allele CA450886046.